The following is an entry in ClinVar:

ClinVar aggregate classification (germline): Uncertain significance (1 of 4 stars; one submission).

Allele frequency attached by ClinVar (database versions not stated): gnomAD exomes below 0.00001.
gnomAD v4.1: 2 of 1,614,144 alleles (0.00012%); highest among the groups gnomAD compares: Admixed American, 0.0017%; no homozygotes.

Submission:

Labcorp Genetics (formerly Invitae), Labcorp
Classification: Uncertain significance. Last evaluated: 2022-07-02. Review status: criteria provided, single submitter. Criteria: Invitae Variant Classification Sherloc (09022015). Collection method: clinical testing. Allele origin: germline.
Comment: In summary, the available evidence is currently insufficient to determine the role of this variant in disease. Therefore, it has been classified as a Variant of Uncertain Significance. Algorithms developed to predict the effect of missense changes on protein structure and function are either unavailable or do not agree on the potential impact of this missense change (SIFT: "Deleterious"; PolyPhen-2: "Possibly Damaging"; Align-GVGD: "Class C0"). This variant has not been reported in the literature in individuals affected with CACNA1D-related conditions. This variant is present in population databases (no rsID available, gnomAD 0.003%). This sequence change replaces leucine, which is neutral and non-polar, with proline, which is neutral and non-polar, at codon 34 of the CACNA1D protein (p.Leu34Pro).

NM_001128840.3(CACNA1D):c.101T>C (p.Leu34Pro)

Gene: CACNA1D (calcium voltage-gated channel subunit alpha1 D; plus strand). Cytogenetic location: 3p21.1.
Variant type: single nucleotide variant.
Coding change: c.101T>C on transcript NM_001128840.3 (MANE Select); coding-DNA position 101, T replaced by C.
Protein change: p.Leu34Pro; replaces leucine 34 with proline.
Molecular consequence: missense variant.
Genome position (GRCh38, 1-based): chr3:53,497,185, T>C. VCF-style: chr3-53497185-T-C. GRCh37 (hg19) VCF-style: chr3-53531212-T-C.
Other names: c.101T>C, p.Leu34Pro (NM_000720.4, NM_001128839.3); short protein forms L34P.
Identifiers: ClinVar variation 2096785 (VCV002096785.4), dbSNP rs1431557212, ClinGen allele CA353381746.